The following is an entry in ClinVar:

ClinVar aggregate classification (germline): Likely benign (1 of 4 stars; one submission).

Submission:

CeGaT Center for Human Genetics Tuebingen
Classification: Likely benign. Last evaluated: 2025-12-01. Review status: criteria provided, single submitter. Criteria: CeGaT Center For Human Genetics Tuebingen Variant Classification Criteria Version 2. Collection method: clinical testing. Allele origin: germline. Affected: yes. Observed: 1 variant allele.
Comment: ZNF594: BP4, BP7

NM_032530.2(ZNF594):c.2307C>T (p.Thr769=)

Gene: ZNF594 (zinc finger protein 594; minus strand). Cytogenetic location: 17p13.2.
Variant type: single nucleotide variant.
Coding change: c.2307C>T on transcript NM_032530.2 (MANE Select); coding-DNA position 2307, C replaced by T.
Protein change: p.Thr769=; no amino-acid change (threonine 769 retained).
Molecular consequence: synonymous variant.
Genome position (GRCh38, 1-based): chr17:5,181,950, G>A on the plus strand (C>T on the coding strand, the complement: ZNF594 is on the minus strand). VCF-style: chr17-5181950-G-A. GRCh37 (hg19) VCF-style: chr17-5085245-G-A.
Identifiers: ClinVar variation 4681384 (VCV004681384.5).
Genomic context (GRCh38, chr17:5,181,950, plus strand): 5'-ATATGGTTTCTCTCTTGTATGAGTTACCTGATGTCTGATGAGATCTGAGCTGCCCTGGAA[G>A]GTCCTACTACACTGATTACACCAATAAACTTTCTTTTCCTGGTGAGTTCTCTGCTCTTTT-3'
Protein context (NP_115919.1, residues 759-779): KVYWCNQCSR[Thr769=]FQGSSDLIRH